The following is an entry in ClinVar:

NM_001458.5(FLNC):c.5014del (p.Ala1672fs)

Gene: FLNC (filamin C; plus strand). Cytogenetic location: 7q32.1.
Variant type: Deletion.
Coding change: c.5014del on transcript NM_001458.5 (MANE Select); coding-DNA position 5014, one base deleted (G; older notation c.5014delG).
Protein change: p.Ala1672fs; shifts the reading frame from alanine 1672.
Molecular consequence: frameshift variant.
Genome position (GRCh38, 1-based): chr7:128,849,393, G deleted; the last of 2 consecutive G bases (chr7:128,849,392-128,849,393); deleting either gives the same sequence. VCF-style (leftmost placement, unchanged base first): chr7-128849391-AG-A. GRCh37 (hg19) VCF-style: chr7-128489445-AG-A.
Other names: c.5014del, p.Ala1672fs (NM_001127487.2); short protein forms A1672fs.
Identifiers: ClinVar variation 3760368 (VCV003760368.2).
Genomic context (GRCh38, chr7:128,849,391, plus strand): 5'-GTGCCTGCCTGGGCCCTCGAATCCAGATTGGGCAGGAGACGGTGATCACGGTGGATGCCA[AG>A]GCAGCCGGTGAGGGGAAGGTGACATGCACGGTGTCCACGCCGGATGGGGCAGAGCTCGAT-3'

ClinVar aggregate classification (germline): Pathogenic (1 of 4 stars; one submission).

Conditions:
Hypertrophic cardiomyopathy 26. Also called: Cardiomyopathy, familial hypertrophic, 26. Identifiers: Orphanet 75249, MedGen C4310749, MONDO:0014883, OMIM 617047.
Distal myopathy with posterior leg and anterior hand involvement. Also called: WILLIAMS DISTAL MYOPATHY. Identifiers: Orphanet 63273, MedGen C3279722, MONDO:0013550, OMIM 614065.
Myofibrillar myopathy 5. Also called: Filaminopathy (type); FILAMINOPATHY, AUTOSOMAL DOMINANT. Identifiers: Orphanet 171445, MedGen C1836050, MONDO:0012289, OMIM 609524.

Submission:

Labcorp Genetics (formerly Invitae), Labcorp
Classification: Pathogenic for Distal myopathy with posterior leg and anterior hand involvement; Myofibrillar myopathy 5; Hypertrophic cardiomyopathy 26. Last evaluated: 2025-01-20. Review status: criteria provided, single submitter. Criteria: Invitae Variant Classification Sherloc (09022015). Collection method: clinical testing. Allele origin: germline.
Comment: This sequence change creates a premature translational stop signal (p.Ala1672Glnfs*7) in the FLNC gene. It is expected to result in an absent or disrupted protein product. Loss-of-function variants in FLNC are known to be pathogenic (PMID: 27908349). This variant is not present in population databases (gnomAD no frequency). This variant has not been reported in the literature in individuals affected with FLNC-related conditions. For these reasons, this variant has been classified as Pathogenic.

Literature cited by the submitters: PubMed 27908349.